The following is an entry in ClinVar:

NM_052865.4(MGME1):c.55_57del (p.Ser19del)

Genes: MGME1 (mitochondrial genome maintenance exonuclease 1; plus strand), LOC126862983 (CDK7 strongly-dependent group 2 enhancer GRCh37_chr20:17950167-17951366; plus strand). Cytogenetic location: 20p11.23.
Variant type: Deletion.
Coding change: c.55_57del on transcript NM_052865.4 (MANE Select); coding-DNA positions 55 to 57, 3 bases deleted (TCT; older notation c.55_57delTCT).
Protein change: p.Ser19del; deletes serine 19.
Molecular consequence: inframe deletion.
Genome position (GRCh38, 1-based): chr20:17,969,914-17,969,916, TCT deleted; deleting any 3 consecutive bases within chr20:17,969,913-17,969,916 gives the same sequence; the c. name uses the placement nearest the transcript's 3' end. VCF-style (leftmost placement, unchanged base first): chr20-17969912-TTTC-T. GRCh37 (hg19) VCF-style: chr20-17950555-TTTC-T.
Other names: c.55_57del, p.Ser19del (NM_001310338.2, NM_001310339.2, NM_001363738.2); short protein forms S19del.
Identifiers: ClinVar variation 984721 (VCV000984721.6), dbSNP rs766468409, ClinGen allele CA9774870.

ClinVar aggregate classification (germline): Uncertain significance. Review status: criteria provided, multiple submitters, no conflicts (2 of 4 stars). 4 submissions from 4 submitters: Uncertain significance (4). Last evaluated 2024-11-20.

Conditions:
Mitochondrial DNA depletion syndrome 11 (MTDPS11). Identifiers: Orphanet 352447, MedGen C3554462, MONDO:0014039, OMIM 615084.

Submissions (4):

Blueprint Genetics
Classification: Uncertain significance. Last evaluated: 2024-11-20. Review status: criteria provided, single submitter. Criteria: ACMG Guidelines, 2015. Collection method: clinical testing. Allele origin: germline.

Labcorp Genetics (formerly Invitae), Labcorp
Classification: Uncertain significance. Last evaluated: 2022-08-10. Review status: criteria provided, single submitter. Criteria: Invitae Variant Classification Sherloc (09022015). Collection method: clinical testing. Allele origin: germline.
Comment: This variant, c.55_57del, results in the deletion of 1 amino acid(s) of the MGME1 protein (p.Ser19del), but otherwise preserves the integrity of the reading frame. This variant is present in population databases (rs766468409, gnomAD 0.01%). This variant has been observed in individual(s) with mitochondrial depletion syndrome (PMID: 28097321). It has also been observed to segregate with disease in related individuals. ClinVar contains an entry for this variant (Variation ID: 984721). Experimental studies and prediction algorithms are not available or were not evaluated, and the functional significance of this variant is currently unknown. In summary, the available evidence is currently insufficient to determine the role of this variant in disease. Therefore, it has been classified as a Variant of Uncertain Significance.

Institute of Human Genetics, University of Leipzig Medical Center
Classification: Uncertain significance for Mitochondrial DNA depletion syndrome 11. Last evaluated: 2020-03-01. Review status: criteria provided, single submitter. Criteria: ACMG Guidelines, 2015. Collection method: clinical testing. Allele origin: biparental. Inheritance: Autosomal recessive inheritance. Affected: yes.
Comment: Review of the variants reported in Reuter et al., 2017, PMID: 28097321: PM2,PM4,PM3_Supportin

Breakthrough Genomics
Classification: Uncertain significance. Review status: criteria provided, single submitter. Criteria: ACMG Guidelines, 2015. Collection method: not provided. Allele origin: germline. Inheritance: Autosomal dominant inheritance. Affected: yes.

Literature cited by the submitters: PubMed 28097321 (cited by Labcorp Genetics (formerly Invitae), Labcorp).